The following is an entry in ClinVar:

NM_000321.3(RB1):c.2029G>T (p.Glu677Ter)

Gene: RB1 (RB transcriptional corepressor 1; plus strand). Cytogenetic location: 13q14.2.
Variant type: single nucleotide variant.
Coding change: c.2029G>T on transcript NM_000321.3 (MANE Select); coding-DNA position 2029, G replaced by T.
Protein change: p.Glu677Ter; replaces glutamic acid 677 with a stop codon.
Molecular consequence: nonsense.
Genome position (GRCh38, 1-based): chr13:48,459,756, G>T. VCF-style: chr13-48459756-G-T. GRCh37 (hg19) VCF-style: chr13-49033892-G-T.
Other names: short protein forms E677*.
Identifiers: ClinVar variation 410885 (VCV000410885.8), dbSNP rs1060503067, ClinGen allele CA16614022.

ClinVar aggregate classification (germline): Pathogenic (1 of 4 stars; one submission).

Conditions:
Retinoblastoma (RB1). Also called: RETINOBLASTOMA, SOMATIC. Identifiers: Orphanet 790, MedGen C0035335, MeSH D012175, MONDO:0008380, OMIM 180200, HP:0009919. Disease mechanism: loss of function. Inheritance: Both sporadic and heritable forms are tested..

Submission:

Labcorp Genetics (formerly Invitae), Labcorp
Classification: Pathogenic for Retinoblastoma. Last evaluated: 2017-05-13. Review status: criteria provided, single submitter. Criteria: Invitae Variant Classification Sherloc (09022015). Collection method: clinical testing. Allele origin: germline.
Comment: For these reasons, this variant has been classified as Pathogenic. Loss-of-function variants in RB1 are known to be pathogenic. This particular variant has been reported in the literature in an individual affected with retinoblastoma (PMID: 24225018). This sequence change creates a premature translational stop signal at codon 677 (p.Glu677*) of the RB1 gene. It is expected to result in an absent or disrupted protein product.

Literature cited by the submitters: PubMed 24225018.